The following is an entry in ClinVar:

ClinVar aggregate classification (germline): Uncertain significance (1 of 4 stars; one submission).

Conditions:
Hereditary cancer-predisposing syndrome. Also called: Hereditary Cancer Syndrome; Hereditary neoplastic syndrome; Tumor predisposition; Neoplastic Syndromes, Hereditary. Identifiers: Orphanet 140162, MedGen C0027672, MeSH D009386, MONDO:0015356.

Submission:

Ambry Genetics
Classification: Uncertain significance for Hereditary cancer-predisposing syndrome. Last evaluated: 2024-09-01. Review status: criteria provided, single submitter. Criteria: Ambry Variant Classification Scheme 2023. Collection method: clinical testing. Allele origin: germline.
Comment: The p.I795M variant (also known as c.2385T>G), located in coding exon 14 of the ALK gene, results from a T to G substitution at nucleotide position 2385. The isoleucine at codon 795 is replaced by methionine, an amino acid with highly similar properties. This amino acid position is conserved. In addition, this alteration is predicted to be tolerated by in silico analysis. Based on the available evidence, the clinical significance of this variant remains unclear.

NM_004304.5(ALK):c.2385T>G (p.Ile795Met)

Gene: ALK (ALK receptor tyrosine kinase; minus strand). Cytogenetic location: 2p23.2.
Variant type: single nucleotide variant.
Coding change: c.2385T>G on transcript NM_004304.5 (MANE Select); coding-DNA position 2385, T replaced by G.
Protein change: p.Ile795Met; replaces isoleucine 795 with methionine.
Molecular consequence: missense variant.
Genome position (GRCh38, 1-based): chr2:29,233,667, A>C on the plus strand (T>G on the coding strand, the complement: ALK is on the minus strand). VCF-style: chr2-29233667-A-C. GRCh37 (hg19) VCF-style: chr2-29456533-A-C.
Other names: short protein forms I795M.
Identifiers: ClinVar variation 3524524 (VCV003524524.1).
Genomic context (GRCh38, chr2:29,233,667, plus strand): 5'-TGCCCACTCATGCACGCTTCTGTTCACACGGATTTCTTCTTCTATCACATTGTTCTCTCC[A>C]ATGCAGACTTTCTGGATTAACTGGTTTGTCTGTAGAAACAAAAAGCACGTTAGGTTTGTG-3'
Protein context (NP_004295.2, residues 785-805): STNQLIQKVC[Ile795Met]GENNVIEEEI